The following is an entry in ClinVar:

ClinVar aggregate classification (germline): Uncertain significance (1 of 4 stars; one submission).

Submission:

CeGaT Center for Human Genetics Tuebingen
Classification: Uncertain significance. Last evaluated: 2024-01-01. Review status: criteria provided, single submitter. Criteria: CeGaT Center For Human Genetics Tuebingen Variant Classification Criteria Version 2. Collection method: clinical testing. Allele origin: germline. Affected: yes. Observed: 1 variant allele.
Comment: ALMS1: PM2, BP4

NM_001378454.1(ALMS1):c.5148G>T (p.Glu1716Asp)

Gene: ALMS1 (ALMS1 centrosome and basal body associated protein; plus strand). Cytogenetic location: 2p13.1.
Variant type: single nucleotide variant.
Coding change: c.5148G>T on transcript NM_001378454.1 (MANE Select); coding-DNA position 5148, G replaced by T.
Protein change: p.Glu1716Asp; replaces glutamic acid 1716 with aspartic acid.
Molecular consequence: missense variant.
Genome position (GRCh38, 1-based): chr2:73,451,675, G>T. VCF-style: chr2-73451675-G-T. GRCh37 (hg19) VCF-style: chr2-73678802-G-T.
Other names: c.5151G>T, p.Glu1717Asp (NM_015120.4); short protein forms E1716D, E1717D.
Identifiers: ClinVar variation 3027065 (VCV003027065.22), dbSNP rs2466104034, ClinGen allele CA347280139.
Genomic context (GRCh38, chr2:73,451,675, plus strand): 5'-ACCAGATGCCCAGAAGACTGAGACACCATCAGTATCCTCTAGTTTATACTCATATAGAGA[G>T]AAGCCCATTGTCTTCTACCAACAGGCCCTGCCAGACAGTGAGCTAACTCAAGAAGCTCTG-3'
Protein context (NP_001365383.1, residues 1706-1726): SVSSSLYSYR[Glu1716Asp]KPIVFYQQAL